The following is an entry in ClinVar:

ClinVar aggregate classification (germline): Likely benign. Review status: criteria provided, multiple submitters, no conflicts (2 of 4 stars). 2 submissions from 2 submitters: Likely benign (2). Last evaluated 2025-08-01.

Conditions:
PKDCC-related disorder. Also called: PKDCC-related condition.

Allele frequency attached by ClinVar (database versions not stated): TOPMed 0.00007; gnomAD exomes 0.00010.
gnomAD v4.1: 139 of 1,279,622 alleles (0.011%); highest among the groups gnomAD compares: Non-Finnish European, 0.014%; no homozygotes.

Submissions (2):

PreventionGenetics, part of Exact Sciences
Classification: Likely benign for PKDCC-related condition. Last evaluated: 2025-08-01. Review status: criteria provided, single submitter. Criteria: ACMG Guidelines, 2015. Collection method: clinical testing. Allele origin: germline.
Comment: This variant is classified as likely benign based on ACMG/AMP sequence variant interpretation guidelines (Richards et al. 2015 PMID: 25741868, with internal and published modifications).

Labcorp Genetics (formerly Invitae), Labcorp
Classification: Likely benign. Last evaluated: 2024-12-16. Review status: criteria provided, single submitter. Criteria: Invitae Variant Classification Sherloc (09022015). Collection method: clinical testing. Allele origin: germline.

NM_138370.3(PKDCC):c.60C>G (p.Ser20=)

Genes: PKDCC (protein kinase domain containing, cytoplasmic; plus strand), LOC129933563 (ATAC-STARR-seq lymphoblastoid silent region 11396; plus strand). Cytogenetic location: 2p21.
Variant type: single nucleotide variant.
Coding change: c.60C>G on transcript NM_138370.3 (MANE Select); coding-DNA position 60, C replaced by G.
Protein change: p.Ser20=; no amino-acid change (serine 20 retained).
Molecular consequence: synonymous variant.
Genome position (GRCh38, 1-based): chr2:42,048,259, C>G. VCF-style: chr2-42048259-C-G. GRCh37 (hg19) VCF-style: chr2-42275399-C-G.
Other names: c.60C>G (NM_138370.2).
Identifiers: ClinVar variation 1664757 (VCV001664757.9), dbSNP rs956119564, ClinGen allele CA46353882.